The following is an entry in ClinVar:

NM_001903.5(CTNNA1):c.1047G>A (p.Ser349=)

Gene: CTNNA1 (catenin alpha 1; plus strand). Cytogenetic location: 5q31.2.
Variant type: single nucleotide variant.
Coding change: c.1047G>A on transcript NM_001903.5 (MANE Select); coding-DNA position 1047, G replaced by A.
Protein change: p.Ser349=; no amino-acid change (serine 349 retained).
Molecular consequence: synonymous variant.
Genome position (GRCh38, 1-based): chr5:138,827,703, G>A. VCF-style: chr5-138827703-G-A. GRCh37 (hg19) VCF-style: chr5-138163392-G-A.
Other names: c.1047G>A (NM_001903.2); c.1047G>A, p.Ser349= (NM_001290307.3, NM_001323982.2, NM_001323983.1 and 3 more transcripts); c.738G>A, p.Ser246= (NM_001290309.3); c.678G>A, p.Ser226= (NM_001290310.3).
Identifiers: ClinVar variation 656427 (VCV000656427.29), dbSNP rs752758897, ClinGen allele CA3431608.
Genomic context (GRCh38, chr5:138,827,703, plus strand): 5'-TCGTGAGCGAATTGTGGCAGAGTGTAATGCTGTCCGCCAGGCCCTGCAGGACCTGCTTTC[G>A]GAGTACATGGGCAATGTGAGTTTGACAGCTTTTCTTTGAAGTAAGATATTTATGGATGAG-3'
Protein context (NP_001894.2, residues 339-359): AVRQALQDLL[Ser349=]EYMGNAGRKE

ClinVar aggregate classification (germline): Benign/Likely benign. Review status: criteria provided, multiple submitters, no conflicts (2 of 4 stars). 4 submissions from 4 submitters: Benign (1); Likely benign (3). Last evaluated 2024-10-10.

Conditions:
Hereditary cancer-predisposing syndrome. Also called: Neoplastic Syndromes, Hereditary; Hereditary Cancer Syndrome; Tumor predisposition; Hereditary neoplastic syndrome. Identifiers: Orphanet 140162, MedGen C0027672, MeSH D009386, MONDO:0015356.
Hereditary diffuse gastric adenocarcinoma (HDGC). Also called: DIFFUSE GASTRIC AND LOBULAR BREAST CANCER SYNDROME. Identifiers: Orphanet 26106, MedGen C1708349, MONDO:0007648, OMIM 137215.

Allele frequency attached by ClinVar (database versions not stated): gnomAD exomes below 0.00001; ExAC 0.00001; gnomAD 0.00001.
gnomAD v4.1: 6 of 1,614,182 alleles (0.00037%); highest among the groups gnomAD compares: Middle Eastern, 0.016%; no homozygotes.

Submissions (4):

Myriad Genetics, Inc.
Classification: Benign for Hereditary diffuse gastric adenocarcinoma. Last evaluated: 2024-10-10. Review status: criteria provided, single submitter. Criteria: Myriad Autosomal Dominant, Autosomal Recessive and X-Linked Classification Criteria (2023). Collection method: clinical testing. Allele origin: unknown.
Comment: This variant is considered benign. This variant is a silent/synonymous amino acid change and it is not expected to impact splicing.

CeGaT Center for Human Genetics Tuebingen
Classification: Likely benign. Last evaluated: 2024-08-01. Review status: criteria provided, single submitter. Criteria: CeGaT Center For Human Genetics Tuebingen Variant Classification Criteria Version 2. Collection method: clinical testing. Allele origin: germline. Affected: yes. Observed: 1 variant allele.
Comment: CTNNA1: BP4, BP7

Ambry Genetics
Classification: Likely benign for Hereditary cancer-predisposing syndrome. Last evaluated: 2023-01-30. Review status: criteria provided, single submitter. Criteria: Ambry Variant Classification Scheme 2023. Collection method: clinical testing. Allele origin: germline.

Labcorp Genetics (formerly Invitae), Labcorp
Classification: Likely benign. Last evaluated: 2022-12-17. Review status: criteria provided, single submitter. Criteria: Invitae Variant Classification Sherloc (09022015). Collection method: clinical testing. Allele origin: germline.